The following is an entry in ClinVar:

NM_078470.6(COX15):c.474T>G (p.Leu158=)

Gene: COX15 (cytochrome c oxidase assembly factor COX15; minus strand). Cytogenetic location: 10q24.2.
Variant type: single nucleotide variant.
Coding change: c.474T>G on transcript NM_078470.6 (MANE Select); coding-DNA position 474, T replaced by G.
Protein change: p.Leu158=; no amino-acid change (leucine 158 retained).
Molecular consequence: synonymous variant. On other transcripts: intron variant (1).
Genome position (GRCh38, 1-based): chr10:99,727,076, A>C on the plus strand (T>G on the coding strand, the complement: COX15 is on the minus strand). VCF-style: chr10-99727076-A-C. GRCh37 (hg19) VCF-style: chr10-101486833-A-C.
Other names: c.474T>G, p.Leu158= (NM_001320974.2, NM_001320975.2, NM_001372024.1 and 5 more transcripts); c.-59-5T>G (NM_001320976.2).
Identifiers: ClinVar variation 2061257 (VCV002061257.4), dbSNP rs148525464, ClinGen allele CA471122802.

ClinVar aggregate classification (germline): Uncertain significance (1 of 4 stars; one submission).

gnomAD v4.1: 1 of 1,614,204 alleles (0.000062%); highest among the groups gnomAD compares: Non-Finnish European, 0.000085%; no homozygotes.

Submission:

Labcorp Genetics (formerly Invitae), Labcorp
Classification: Uncertain significance. Last evaluated: 2022-05-21. Review status: criteria provided, single submitter. Criteria: Invitae Variant Classification Sherloc (09022015). Collection method: clinical testing. Allele origin: germline.
Comment: This sequence change affects codon 158 of the COX15 mRNA. It is a 'silent' change, meaning that it does not change the encoded amino acid sequence of the COX15 protein. This variant is not present in population databases (gnomAD no frequency). This variant has not been reported in the literature in individuals affected with COX15-related conditions. Algorithms developed to predict the effect of sequence changes on RNA splicing suggest that this variant may disrupt the consensus splice site. In summary, the available evidence is currently insufficient to determine the role of this variant in disease. Therefore, it has been classified as a Variant of Uncertain Significance.